The following is an entry in ClinVar:

NM_001386298.1(CIC):c.5031G>A (p.Pro1677=)

Gene: CIC (capicua transcriptional repressor; plus strand). Cytogenetic location: 19q13.2.
Variant type: single nucleotide variant.
Coding change: c.5031G>A on transcript NM_001386298.1 (MANE Select); coding-DNA position 5031, G replaced by A.
Protein change: p.Pro1677=; no amino-acid change (proline 1677 retained).
Molecular consequence: synonymous variant.
Genome position (GRCh38, 1-based): chr19:42,291,072, G>A. VCF-style: chr19-42291072-G-A. GRCh37 (hg19) VCF-style: chr19-42795224-G-A.
Other names: c.5031G>A, p.Pro1677= (NM_001304815.2, NM_001379480.1, NM_001379482.1 and 1 more transcripts); c.2304G>A, p.Pro768= (NM_001379484.1, NM_001379485.1, NM_015125.5).
Identifiers: ClinVar variation 2649998 (VCV002649998.25), dbSNP rs759169138, ClinGen allele CA9472232.

ClinVar aggregate classification (germline): Likely benign. Review status: criteria provided, multiple submitters, no conflicts (2 of 4 stars). 2 submissions from 2 submitters: Likely benign (2). Last evaluated 2025-10-28.

Allele frequency attached by ClinVar (database versions not stated): TOPMed below 0.00001; ExAC 0.00002; gnomAD exomes 0.00002.
gnomAD v4.1: 25 of 1,613,872 alleles (0.0015%); highest among the groups gnomAD compares: South Asian, 0.0066%; no homozygotes.

Submissions (2):

Women's Health and Genetics/Laboratory Corporation of America, LabCorp
Classification: Likely benign. Last evaluated: 2025-10-28. Review status: criteria provided, single submitter. Criteria: LabCorp Variant Classification Summary - May 2015. Collection method: clinical testing. Allele origin: germline.

CeGaT Center for Human Genetics Tuebingen
Classification: Likely benign. Last evaluated: 2022-07-01. Review status: criteria provided, single submitter. Criteria: CeGaT Center For Human Genetics Tuebingen Variant Classification Criteria Version 2. Collection method: clinical testing. Allele origin: germline. Affected: yes. Observed: 1 variant allele.
Comment: CIC: BP4, BP7